The following is an entry in ClinVar:

NM_153240.5(NPHP3):c.2574G>A (p.Gln858=)

Genes: NPHP3 (nephrocystin 3; minus strand), NPHP3-ACAD11 (NPHP3-ACAD11 readthrough (NMD candidate); minus strand). Cytogenetic location: 3q22.1.
Variant type: single nucleotide variant.
Coding change: c.2574G>A on transcript NM_153240.5 (MANE Select); coding-DNA position 2574, G replaced by A.
Protein change: p.Gln858=; no amino-acid change (glutamine 858 retained).
Molecular consequence: synonymous variant. On other transcripts: non-coding transcript variant (1).
Genome position (GRCh38, 1-based): chr3:132,690,647, C>T on the plus strand (G>A on the coding strand, the complement: NPHP3 is on the minus strand). VCF-style: chr3-132690647-C-T. GRCh37 (hg19) VCF-style: chr3-132409491-C-T.
Identifiers: ClinVar variation 3369547 (VCV003369547.1).
Genomic context (GRCh38, chr3:132,690,647, plus strand): 5'-ACTTCCCTGCTGCTGAAAAAGCCACGGGAGTTCATCTGCACTTCTCCAAGTCACTCTGTC[C>T]TGACTATCAAAAGAGAGGAGACAATATTCAATATCTTCCTACAATGAGACTGCTTCAAAA-3'
Protein context (NP_694972.3, residues 848-868): LINYFTLQLS[Gln858=]DRVTWRSADE

ClinVar aggregate classification (germline): Uncertain significance (1 of 4 stars; one submission).

Submission:

GeneDx
Classification: Uncertain significance. Last evaluated: 2024-02-27. Review status: criteria provided, single submitter. Criteria: GeneDx Variant Classification Process June 2021. Collection method: clinical testing. Allele origin: germline. Affected: yes.
Comment: Not observed at significant frequency in large population cohorts (gnomAD); In silico analysis is inconclusive as to whether the variant alters gene splicing; in the absence of RNA/functional studies, the actual effect of this sequence change is unknown; Has not been previously published as pathogenic or benign to our knowledge